The following is an entry in ClinVar:

NM_025215.6(PUS1):c.301C>T (p.Gln101Ter)

Gene: PUS1 (pseudouridine synthase 1; plus strand). Cytogenetic location: 12q24.33.
Variant type: single nucleotide variant.
Coding change: c.301C>T on transcript NM_025215.6 (MANE Select); coding-DNA position 301, C replaced by T.
Protein change: p.Gln101Ter; replaces glutamine 101 with a stop codon.
Molecular consequence: nonsense.
Genome position (GRCh38, 1-based): chr12:131,930,133, C>T. VCF-style: chr12-131930133-C-T. GRCh37 (hg19) VCF-style: chr12-132414678-C-T.
Other names: c.217C>T, p.Gln73Ter (NM_001002019.3, NM_001002020.3); short protein forms Q101*, Q73*.
Identifiers: ClinVar variation 970678 (VCV000970678.11), dbSNP rs1048018914, ClinGen allele CA246182023.

ClinVar aggregate classification (germline): Pathogenic/Likely pathogenic. Review status: criteria provided, multiple submitters, no conflicts (2 of 4 stars). 2 submissions from 2 submitters: Pathogenic (1); Likely pathogenic (1). Last evaluated 2025-04-24.

Conditions:
Myopathy, lactic acidosis, and sideroblastic anemia. Also called: Mitochondrial myopathy and sideroblastic anemia; Myopathy with lactic acidosis and sideroblastic anemia. Identifiers: Orphanet 2598, MedGen C1838103, MONDO:0000863.

Allele frequency attached by ClinVar (database versions not stated): gnomAD exomes below 0.00001; TOPMed 0.00001.
gnomAD v4.1: 3 of 1,423,126 alleles (0.00021%); highest among the groups gnomAD compares: African/African-American, 0.0015%; no homozygotes.

Submissions (2):

Natera, Inc.
Classification: Likely pathogenic for Mitochondrial myopathy and sideroblastic anemia. Last evaluated: 2025-04-24. Review status: criteria provided, single submitter. Criteria: Natera Variant Classification Schema (03/2026). Collection method: clinical testing. Allele origin: germline.
Comment: The c.301C>T variant in PUS1 is a nonsense variant predicted to introduce a stop codon at amino acid 101. This variant is expected to result in nonsense mediated decay, truncation, or a dysfunctional protein product. This variant is rare in the general population with a frequency below the threshold expected for the associated phenotype(s). Given the available evidence, this variant is classified as Likely Pathogenic.

Labcorp Genetics (formerly Invitae), Labcorp
Classification: Pathogenic. Last evaluated: 2022-02-09. Review status: criteria provided, single submitter. Criteria: Invitae Variant Classification Sherloc (09022015). Collection method: clinical testing. Allele origin: germline.
Comment: For these reasons, this variant has been classified as Pathogenic. Algorithms developed to predict the effect of sequence changes on RNA splicing suggest that this variant may create or strengthen a splice site. ClinVar contains an entry for this variant (Variation ID: 970678). This variant has not been reported in the literature in individuals affected with PUS1-related conditions. This variant is not present in population databases (gnomAD no frequency). This sequence change creates a premature translational stop signal (p.Gln101*) in the PUS1 gene. It is expected to result in an absent or disrupted protein product. Loss-of-function variants in PUS1 are known to be pathogenic (PMID: 17056637, 19731322, 25058219, 26556812).

Literature cited by the submitters: PubMed 17056637 (cited by Labcorp Genetics (formerly Invitae), Labcorp); PubMed 19731322 (cited by Labcorp Genetics (formerly Invitae), Labcorp); PubMed 25058219 (cited by Labcorp Genetics (formerly Invitae), Labcorp); PubMed 26556812 (cited by Labcorp Genetics (formerly Invitae), Labcorp).